The following is an entry in ClinVar:

ClinVar aggregate classification (germline): Uncertain significance (1 of 4 stars; one submission).

Conditions:
Arrhythmogenic right ventricular dysplasia 13. Also called: ARRHYTHMOGENIC RIGHT VENTRICULAR CARDIOMYOPATHY 13; Arrhythmogenic right ventricular dysplasia, familial, 13. Identifiers: MedGen C3810138, MONDO:0000908, OMIM 615616.

gnomAD v4.1: 1 of 1,612,958 alleles (0.000062%); highest among the groups gnomAD compares: Non-Finnish European, 0.000085%; no homozygotes.

Submission:

Labcorp Genetics (formerly Invitae), Labcorp
Classification: Uncertain significance for Arrhythmogenic right ventricular dysplasia 13. Last evaluated: 2025-07-01. Review status: criteria provided, single submitter. Criteria: Invitae Variant Classification Sherloc (09022015). Collection method: clinical testing. Allele origin: germline.
Comment: This sequence change replaces asparagine, which is neutral and polar, with isoleucine, which is neutral and non-polar, at codon 183 of the CTNNA3 protein (p.Asn183Ile). This variant is not present in population databases (gnomAD no frequency). This variant has not been reported in the literature in individuals affected with CTNNA3-related conditions. Invitae Evidence Modeling of protein sequence and biophysical properties (such as structural, functional, and spatial information, amino acid conservation, physicochemical variation, residue mobility, and thermodynamic stability) indicates that this missense variant is not expected to disrupt CTNNA3 protein function with a negative predictive value of 80%. In summary, the available evidence is currently insufficient to determine the role of this variant in disease. Therefore, it has been classified as a Variant of Uncertain Significance.

NM_013266.4(CTNNA3):c.548A>T (p.Asn183Ile)

Gene: CTNNA3 (catenin alpha 3; minus strand). Cytogenetic location: 10q21.3.
Variant type: single nucleotide variant.
Coding change: c.548A>T on transcript NM_013266.4 (MANE Select); coding-DNA position 548, A replaced by T.
Protein change: p.Asn183Ile; replaces asparagine 183 with isoleucine.
Molecular consequence: missense variant.
Genome position (GRCh38, 1-based): chr10:67,521,873, T>A on the plus strand (A>T on the coding strand, the complement: CTNNA3 is on the minus strand). VCF-style: chr10-67521873-T-A. GRCh37 (hg19) VCF-style: chr10-69281631-T-A.
Other names: c.548A>T, p.Asn183Ile (NM_001127384.3); c.584A>T, p.Asn195Ile (NM_001291133.2); short protein forms N195I, N183I.
Identifiers: ClinVar variation 4737168 (VCV004737168.1).